The following is an entry in ClinVar:

NM_000059.4(BRCA2):c.1913del (p.Leu638fs)

Gene: BRCA2 (BRCA2 DNA repair associated; plus strand). Cytogenetic location: 13q13.1.
Variant type: Deletion.
Coding change: c.1913del on transcript NM_000059.4 (MANE Select); coding-DNA position 1913, one base deleted (T; older notation c.1913delT).
Protein change: p.Leu638fs; shifts the reading frame from leucine 638.
Molecular consequence: frameshift variant.
Genome position (GRCh38, 1-based): chr13:32,336,268, T deleted; the last of 3 consecutive T bases (chr13:32,336,266-32,336,268); deleting any one gives the same sequence. VCF-style (leftmost placement, unchanged base first): chr13-32336265-GT-G. GRCh37 (hg19) VCF-style: chr13-32910402-GT-G.
Other names: short protein forms L638fs.
Identifiers: ClinVar variation 1075878 (VCV001075878.9), dbSNP rs2137481744, ClinGen allele CA2499222096.

ClinVar aggregate classification (germline): Pathogenic (1 of 4 stars; one submission).

Conditions:
Hereditary breast ovarian cancer syndrome. Also called: Hereditary breast and ovarian cancer; Breast and ovarian cancer; BRCA1- and BRCA2-Associated Hereditary Breast and Ovarian Cancer; Hereditary breast and/or ovarian cancer syndrome; Hereditary breast and ovarian cancer syndrome; Hereditary breast and ovarian cancer syndrome (HBOC). Identifiers: Orphanet 145, MedGen C0677776, MeSH D061325, MONDO:0003582. Disease mechanism: loss of function.

Submission:

Labcorp Genetics (formerly Invitae), Labcorp
Classification: Pathogenic for Hereditary breast ovarian cancer syndrome. Last evaluated: 2023-08-25. Review status: criteria provided, single submitter. Criteria: Invitae Variant Classification Sherloc (09022015). Collection method: clinical testing. Allele origin: germline.
Comment: This variant is not present in population databases (gnomAD no frequency). This sequence change creates a premature translational stop signal (p.Leu638Tyrfs*6) in the BRCA2 gene. It is expected to result in an absent or disrupted protein product. Loss-of-function variants in BRCA2 are known to be pathogenic (PMID: 20104584). This premature translational stop signal has been observed in individual(s) with breast cancer (PMID: 28294317). For these reasons, this variant has been classified as Pathogenic. ClinVar contains an entry for this variant (Variation ID: 1075878).

Literature cited by the submitters: PubMed 20104584; PubMed 28294317.